The following is an entry in ClinVar:

NM_000081.4(LYST):c.8357A>C (p.Gln2786Pro)

Gene: LYST (lysosomal trafficking regulator; minus strand). Cytogenetic location: 1q42.3.
Variant type: single nucleotide variant.
Coding change: c.8357A>C on transcript NM_000081.4 (MANE Select); coding-DNA position 8357, A replaced by C.
Protein change: p.Gln2786Pro; replaces glutamine 2786 with proline.
Molecular consequence: missense variant.
Genome position (GRCh38, 1-based): chr1:235,741,423, T>G on the plus strand (A>C on the coding strand, the complement: LYST is on the minus strand). VCF-style: chr1-235741423-T-G. GRCh37 (hg19) VCF-style: chr1-235904723-T-G.
Other names: c.8357A>C, p.Gln2786Pro (NM_001301365.1); short protein forms Q2786P.
Identifiers: ClinVar variation 1407856 (VCV001407856.5), dbSNP rs1665392029, ClinGen allele CA344923095.

ClinVar aggregate classification (germline): Uncertain significance (1 of 4 stars; one submission).

Conditions:
Chédiak-Higashi syndrome (CHS). Also called: Chediak-Higashi Syndrome. Identifiers: Orphanet 167, MedGen C0007965, MONDO:0008963, OMIM 214500.

Allele frequency attached by ClinVar (database versions not stated): TOPMed below 0.00001.
gnomAD v4.1: 3 of 1,611,672 alleles (0.00019%); no homozygotes.

Submission:

Labcorp Genetics (formerly Invitae), Labcorp
Classification: Uncertain significance for Chédiak-Higashi syndrome. Last evaluated: 2022-07-05. Review status: criteria provided, single submitter. Criteria: Invitae Variant Classification Sherloc (09022015). Collection method: clinical testing. Allele origin: germline.
Comment: This sequence change replaces glutamine, which is neutral and polar, with proline, which is neutral and non-polar, at codon 2786 of the LYST protein (p.Gln2786Pro). This variant is not present in population databases (gnomAD no frequency). This variant has not been reported in the literature in individuals affected with LYST-related conditions. ClinVar contains an entry for this variant (Variation ID: 1407856). Algorithms developed to predict the effect of missense changes on protein structure and function output the following: SIFT: "Tolerated"; PolyPhen-2: "Benign"; Align-GVGD: "Class C0". The proline amino acid residue is found in multiple mammalian species, which suggests that this missense change does not adversely affect protein function. In summary, the available evidence is currently insufficient to determine the role of this variant in disease. Therefore, it has been classified as a Variant of Uncertain Significance.